The following is an entry in ClinVar:

ClinVar aggregate classification (germline): Conflicting classifications of pathogenicity. Review status: criteria provided, conflicting classifications (1 of 4 stars). 2 submissions from 2 submitters: Likely pathogenic (1); Uncertain significance (1). Last evaluated 2025-07-16.

Conditions:
Recessive dystrophic epidermolysis bullosa (RDEB). Also called: DYSTROPHIC EPIDERMOLYSIS BULLOSA, AUTOSOMAL RECESSIVE; EPIDERMOLYSIS BULLOSA DYSTROPHICA, HALLOPEAU-SIEMENS TYPE; Hallopeau-Siemens Disease; epidermolysis bullosa dystrophica, autosomal recessive; Recessive DEB (RDEB); EPIDERMOLYSIS BULLOSA DYSTROPHICA, GENERALIZED SEVERE, AUTOSOMAL RECESSIVE. Identifiers: Orphanet 79408, Orphanet 79409, MedGen C0079474, MONDO:0009179, OMIM 226600.

gnomAD v4.1: 1 of 1,614,192 alleles (0.000062%); highest among the groups gnomAD compares: Non-Finnish European, 0.000085%; no homozygotes.

Submissions (2):

Labcorp Genetics (formerly Invitae), Labcorp
Classification: Uncertain significance. Last evaluated: 2025-07-16. Review status: criteria provided, single submitter. Criteria: Invitae Variant Classification Sherloc (09022015). Collection method: clinical testing. Allele origin: germline.
Comment: This sequence change replaces arginine, which is basic and polar, with proline, which is neutral and non-polar, at codon 2622 of the COL7A1 protein (p.Arg2622Pro). This variant is not present in population databases (gnomAD no frequency). This variant has not been reported in the literature in individuals affected with COL7A1-related conditions. ClinVar contains an entry for this variant (Variation ID: 1478778). Invitae Evidence Modeling of protein sequence and biophysical properties (such as structural, functional, and spatial information, amino acid conservation, physicochemical variation, residue mobility, and thermodynamic stability) indicates that this missense variant is not expected to disrupt COL7A1 protein function with a negative predictive value of 95%. This variant disrupts the p.Arg2622 amino acid residue in COL7A1. Other variant(s) that disrupt this residue have been determined to be pathogenic (PMID: 12485454, 20184583, 21448560, 22266148). This suggests that this residue is clinically significant, and that variants that disrupt this residue are likely to be disease-causing. In summary, the available evidence is currently insufficient to determine the role of this variant in disease. Therefore, it has been classified as a Variant of Uncertain Significance.

Kariminejad - Najmabadi Pathology & Genetics Center
Classification: Likely pathogenic for Recessive dystrophic epidermolysis bullosa. Review status: criteria provided, single submitter. Criteria: ACMG Guidelines, 2015. Collection method: clinical testing. Allele origin: germline. Affected: no.

Literature cited by the submitters: PubMed 12485454 (cited by Labcorp Genetics (formerly Invitae), Labcorp); PubMed 20184583 (cited by Labcorp Genetics (formerly Invitae), Labcorp); PubMed 21448560 (cited by Labcorp Genetics (formerly Invitae), Labcorp); PubMed 22266148 (cited by Labcorp Genetics (formerly Invitae), Labcorp).

NM_000094.4(COL7A1):c.7865G>C (p.Arg2622Pro)

Gene: COL7A1 (collagen type VII alpha 1 chain; minus strand). Cytogenetic location: 3p21.31.
Variant type: single nucleotide variant.
Coding change: c.7865G>C on transcript NM_000094.4 (MANE Select); coding-DNA position 7865, G replaced by C.
Protein change: p.Arg2622Pro; replaces arginine 2622 with proline.
Molecular consequence: missense variant.
Genome position (GRCh38, 1-based): chr3:48,568,100, C>G on the plus strand (G>C on the coding strand, the complement: COL7A1 is on the minus strand). VCF-style: chr3-48568100-C-G. GRCh37 (hg19) VCF-style: chr3-48605533-C-G.
Other names: short protein forms R2622P.
Identifiers: ClinVar variation 1478778 (VCV001478778.7), dbSNP rs368529673, ClinGen allele CA352641805.